The following is an entry in ClinVar:

ClinVar aggregate classification (germline): Uncertain significance (1 of 4 stars; one submission).

Conditions:
Familial cold autoinflammatory syndrome 2 (FCAS2). Identifiers: Orphanet 247868, MedGen C2673198, MONDO:0012724, OMIM 611762.

Allele frequency attached by ClinVar (database versions not stated): TOPMed below 0.00001.

Submission:

Labcorp Genetics (formerly Invitae), Labcorp
Classification: Uncertain significance for Familial cold autoinflammatory syndrome 2. Last evaluated: 2019-11-07. Review status: criteria provided, single submitter. Criteria: Invitae Variant Classification Sherloc (09022015). Collection method: clinical testing. Allele origin: germline.
Comment: This sequence change replaces glutamine with arginine at codon 426 of the NLRP12 protein (p.Gln426Arg). The glutamine residue is highly conserved and there is a small physicochemical difference between glutamine and arginine. This variant is not present in population databases (ExAC no frequency). This variant has not been reported in the literature in individuals with NLRP12-related conditions. Algorithms developed to predict the effect of missense changes on protein structure and function output the following: SIFT: "Tolerated"; PolyPhen-2: "Benign"; Align-GVGD: "Class C0". The arginine amino acid residue is found in multiple mammalian species, suggesting that this missense change does not adversely affect protein function. These predictions have not been confirmed by published functional studies and their clinical significance is uncertain. In summary, the available evidence is currently insufficient to determine the role of this variant in disease. Therefore, it has been classified as a Variant of Uncertain Significance.

NM_144687.4(NLRP12):c.1277A>G (p.Gln426Arg)

Gene: NLRP12 (NLR family pyrin domain containing 12; minus strand). Cytogenetic location: 19q13.42.
Variant type: single nucleotide variant.
Coding change: c.1277A>G on transcript NM_144687.4 (MANE Select); coding-DNA position 1277, A replaced by G.
Protein change: p.Gln426Arg; replaces glutamine 426 with arginine.
Molecular consequence: missense variant.
Genome position (GRCh38, 1-based): chr19:53,810,382, T>C on the plus strand (A>G on the coding strand, the complement: NLRP12 is on the minus strand). VCF-style: chr19-53810382-T-C. GRCh37 (hg19) VCF-style: chr19-54313636-T-C.
Other names: c.1277A>G, p.Gln426Arg (NM_001277126.2, NM_001277129.1); short protein forms Q426R.
Identifiers: ClinVar variation 958126 (VCV000958126.9), dbSNP rs2092047033, ClinGen allele CA407413868.
Genomic context (GRCh38, chr19:53,810,382, plus strand): 5'-TTGGGTTGCATCAGACTCAGCAGGTAGAGCATGTACACTGCAGTGGTGGTCCTGGACGTC[T>C]GTCTCAACAGCCCCCCACCCTCCAGCTGCTGCTGGAGGCAGGTACACACCACCCAGCACA-3'
Protein context (NP_653288.1, residues 416-436): QQLEGGGLLR[Gln426Arg]TSRTTTAVYM